The following is an entry in ClinVar:

NM_005909.5(MAP1B):c.6393G>A (p.Pro2131=)

Gene: MAP1B (microtubule associated protein 1B; plus strand). Cytogenetic location: 5q13.2.
Variant type: single nucleotide variant.
Coding change: c.6393G>A on transcript NM_005909.5 (MANE Select); coding-DNA position 6393, G replaced by A.
Protein change: p.Pro2131=; no amino-acid change (proline 2131 retained).
Molecular consequence: synonymous variant.
Genome position (GRCh38, 1-based): chr5:72,199,748, G>A. VCF-style: chr5-72199748-G-A. GRCh37 (hg19) VCF-style: chr5-71495575-G-A.
Other names: c.6015G>A, p.Pro2005= (NM_001324255.2).
Identifiers: ClinVar variation 3035157 (VCV003035157.2), dbSNP rs149330290, ClinGen allele CA3299479.

ClinVar aggregate classification (germline): Likely benign (0 of 4 stars; one submission).

Conditions:
MAP1B-related disorder. Also called: MAP1B-related condition.

Allele frequency attached by ClinVar (database versions not stated): TOPMed 0.00007; gnomAD exomes 0.00008; gnomAD 0.00009; ExAC 0.00015; ESP Exome Variant Server 0.00015.
gnomAD v4.1: 129 of 1,613,980 alleles (0.008%); highest among the groups gnomAD compares: East Asian, 0.14%; no homozygotes.

Submission:

PreventionGenetics, part of Exact Sciences
Classification: Likely benign for MAP1B-related condition. Last evaluated: 2019-08-05. Review status: no assertion criteria provided. Collection method: clinical testing. Allele origin: germline.
Comment: This variant is classified as likely benign based on ACMG/AMP sequence variant interpretation guidelines (Richards et al. 2015 PMID: 25741868, with internal and published modifications).